The following is an entry in ClinVar:

NM_198253.3(TERT):c.2130+9C>T

Gene: TERT (telomerase reverse transcriptase; minus strand). Cytogenetic location: 5p15.33.
Variant type: single nucleotide variant.
Coding change: c.2130+9C>T on transcript NM_198253.3 (MANE Select); 9 bases into the intron after coding-DNA position 2130, C replaced by T.
Molecular consequence: intron variant.
Genome position (GRCh38, 1-based): chr5:1,279,282, G>A on the plus strand (C>T on the coding strand, the complement: TERT is on the minus strand). VCF-style: chr5-1279282-G-A. GRCh37 (hg19) VCF-style: chr5-1279397-G-A.
Other names: c.2130+9C>T (NM_001193376.3).
Identifiers: ClinVar variation 539281 (VCV000539281.14), dbSNP rs769050926, ClinGen allele CA3184664.
Genomic context (GRCh38, chr5:1,279,282, plus strand): 5'-ATGAGGTGCCAATCAGGCAGCCACTCCCAAGGTCCAGCAGGGCTGCTCACGGGGGTCCCC[G>A]GCACCCACCTTGACAAAGTACAGCTCAGGCGGCGGGTCCTGGGCCCGCACACGCAGCACG-3'

ClinVar aggregate classification (germline): Likely benign. Review status: criteria provided, multiple submitters, no conflicts (2 of 4 stars). 3 submissions from 3 submitters: Likely benign (3). Last evaluated 2026-09-22.

Conditions:
Idiopathic Pulmonary Fibrosis. Also called: Idiopathic fibrosing alveolitis, chronic form; idiopathic fibrosing alveolitis. Identifiers: Orphanet 2032, MedGen C1800706, MeSH D054990, MONDO:0800504.
Dyskeratosis congenita, autosomal dominant 2. Identifiers: MedGen C3151443, MONDO:0013521, OMIM 613989.
TERT-related disorder. Also called: TERT-related disorders; TERT-related condition.

Allele frequency attached by ClinVar (database versions not stated): gnomAD 0.00001 and 0.00002; TOPMed 0.00002; gnomAD exomes 0.00003; ExAC 0.00005.
gnomAD v4.1: 20 of 1,568,820 alleles (0.0013%); highest among the groups gnomAD compares: Admixed American, 0.0075%; no homozygotes.

Submissions (3):

PreventionGenetics, part of Exact Sciences
Classification: Likely benign for TERT-related condition. Last evaluated: 2026-09-22. Review status: criteria provided, single submitter. Criteria: ACMG Guidelines, 2015. Collection method: clinical testing. Allele origin: germline.
Comment: This variant is classified as likely benign based on ACMG/AMP sequence variant interpretation guidelines (Richards et al. 2015 PMID: 25741868, with internal and published modifications).

Labcorp Genetics (formerly Invitae), Labcorp
Classification: Likely benign for Dyskeratosis congenita, autosomal dominant 2; Idiopathic Pulmonary Fibrosis. Last evaluated: 2025-08-11. Review status: criteria provided, single submitter. Criteria: Invitae Variant Classification Sherloc (09022015). Collection method: clinical testing. Allele origin: germline.

Blueprint Genetics
Classification: Likely benign. Last evaluated: 2024-08-02. Review status: criteria provided, single submitter. Criteria: ACMG Guidelines, 2015. Collection method: clinical testing. Allele origin: germline.